The following is an entry in ClinVar:

NM_032119.4(ADGRV1):c.13544G>A (p.Gly4515Glu)

Gene: ADGRV1 (adhesion G protein-coupled receptor V1; plus strand). Cytogenetic location: 5q14.3.
Variant type: single nucleotide variant.
Coding change: c.13544G>A on transcript NM_032119.4 (MANE Select); coding-DNA position 13544, G replaced by A.
Protein change: p.Gly4515Glu; replaces glycine 4515 with glutamic acid.
Molecular consequence: missense variant. On other transcripts: non-coding transcript variant (1).
Genome position (GRCh38, 1-based): chr5:90,783,948, G>A. VCF-style: chr5-90783948-G-A. GRCh37 (hg19) VCF-style: chr5-90079765-G-A.
Other names: short protein forms G4515E.
Identifiers: ClinVar variation 2997425 (VCV002997425.5), dbSNP rs576466976, ClinGen allele CA3341548.

ClinVar aggregate classification (germline): Conflicting classifications of pathogenicity. Review status: criteria provided, conflicting classifications (1 of 4 stars). 2 submissions from 2 submitters: Uncertain significance (1); Likely benign (1). Last evaluated 2025-07-02.

Conditions:
Usher syndrome type 2C. Also called: Usher syndrome, type 2B; USHER SYNDROME, TYPE IIC. Identifiers: Orphanet 231178, Orphanet 886, MedGen C2931213, MONDO:0011558, OMIM 605472.
Febrile seizures, familial, 4 (FEB4). Also called: CONVULSIONS, FAMILIAL FEBRILE, 4. Identifiers: MedGen C1858493, MONDO:0011443, OMIM 604352.

Allele frequency attached by ClinVar (database versions not stated): gnomAD 0.00001; TOPMed 0.00002; 1000 Genomes Project 0.00020; 1000 Genomes Project 30x 0.00031.
gnomAD v4.1: 52 of 1,612,234 alleles (0.0032%); highest among the groups gnomAD compares: South Asian, 0.054%; no homozygotes.

Submissions (2):

Labcorp Genetics (formerly Invitae), Labcorp
Classification: Likely benign. Last evaluated: 2025-07-02. Review status: criteria provided, single submitter. Criteria: Invitae Variant Classification Sherloc (09022015). Collection method: clinical testing. Allele origin: germline.

Juno Genomics, Hangzhou Juno Genomics, Inc
Classification: Uncertain significance for Febrile seizures, familial, 4; Usher syndrome type 2C. Review status: criteria provided, single submitter. Criteria: ACMG Guidelines, 2015. Collection method: clinical testing. Allele origin: germline. Affected: yes.
Comment: Absent from controls (or at extremely low frequency if recessive) in Genome Aggregation Database, Exome Sequencing Project, 1000 Genomes Project, or Exome Aggregation Consortium.